The following is an entry in ClinVar:

NM_000059.4(BRCA2):c.35_36del (p.Phe11_Phe12insTer)

Gene: BRCA2 (BRCA2 DNA repair associated; plus strand). Cytogenetic location: 13q13.1.
Variant type: Deletion.
Coding change: c.35_36del on transcript NM_000059.4 (MANE Select); coding-DNA positions 35 to 36, 2 bases deleted (TT; older notation c.35_36delTT).
Protein change: p.Phe11_Phe12insTer.
Molecular consequence: nonsense.
Genome position (GRCh38, 1-based): chr13:32,316,495-32,316,496, TT deleted; deleting any 2 consecutive bases within chr13:32,316,491-32,316,496 gives the same sequence; the c. name uses the placement nearest the transcript's 3' end. VCF-style (leftmost placement, unchanged base first): chr13-32316490-ATT-A. GRCh37 (hg19) VCF-style: chr13-32890627-ATT-A.
Other names: c.35_36delTT (NM_000059.4).
Identifiers: ClinVar variation 1696818 (VCV001696818.4), dbSNP rs80359393, ClinGen allele CA2580086946.

ClinVar aggregate classification (germline): Pathogenic. Review status: criteria provided, single submitter (1 of 4 stars). 2 submissions from 2 submitters: Pathogenic (1). 1 of the submissions does not count toward it. Last evaluated 2024-05-21.

Conditions:
Hereditary cancer-predisposing syndrome. Also called: Hereditary neoplastic syndrome; Tumor predisposition; Neoplastic Syndromes, Hereditary; Hereditary Cancer Syndrome. Identifiers: Orphanet 140162, MedGen C0027672, MeSH D009386, MONDO:0015356.
Hereditary breast ovarian cancer syndrome. Also called: Hereditary breast and ovarian cancer syndrome; Breast and ovarian cancer; Hereditary breast and ovarian cancer; Hereditary breast and/or ovarian cancer syndrome; Hereditary breast and ovarian cancer syndrome (HBOC); BRCA1- and BRCA2-Associated Hereditary Breast and Ovarian Cancer. Identifiers: Orphanet 145, MedGen C0677776, MeSH D061325, MONDO:0003582. Disease mechanism: loss of function.

Submissions (2):

Labcorp Genetics (formerly Invitae), Labcorp
Classification: Pathogenic for Hereditary breast ovarian cancer syndrome. Last evaluated: 2024-05-21. Review status: criteria provided, single submitter. Criteria: Invitae Variant Classification Sherloc (09022015). Collection method: clinical testing. Allele origin: germline.
Comment: This sequence change creates a premature translational stop signal (p.Phe12*) in the BRCA2 gene. It is expected to result in an absent or disrupted protein product. Loss-of-function variants in BRCA2 are known to be pathogenic (PMID: 20104584). This variant is not present in population databases (gnomAD no frequency). This variant has not been reported in the literature in individuals affected with BRCA2-related conditions. ClinVar contains an entry for this variant (Variation ID: 1696818). For these reasons, this variant has been classified as Pathogenic.

Genomic Center, National Cancer Institute
Classification: Pathogenic for Hereditary cancer-predisposing syndrome. Review status: no assertion criteria provided. Collection method: case-control. Allele origin: germline. Affected: yes. Not counted in ClinVar's aggregate classification.

Literature cited by the submitters: PubMed 20104584 (cited by Labcorp Genetics (formerly Invitae), Labcorp).